The following is an entry in ClinVar:

NM_001287.6(CLCN7):c.2073+1G>C

Gene: CLCN7 (chloride voltage-gated channel 7; minus strand). Cytogenetic location: 16p13.3.
Variant type: single nucleotide variant.
Coding change: c.2073+1G>C on transcript NM_001287.6 (MANE Select); the canonical splice donor site of the intron after coding-DNA position 2073, G replaced by C.
Molecular consequence: splice donor variant.
Genome position (GRCh38, 1-based): chr16:1,447,654, C>G on the plus strand (G>C on the coding strand, the complement: CLCN7 is on the minus strand). VCF-style: chr16-1447654-C-G. GRCh37 (hg19) VCF-style: chr16-1497655-C-G.
Other names: c.2001+1G>C (NM_001114331.3).
Identifiers: ClinVar variation 2818191 (VCV002818191.3), dbSNP rs2038674067, ClinGen allele CA394185836.

ClinVar aggregate classification (germline): Likely pathogenic (1 of 4 stars; one submission).

Submission:

Labcorp Genetics (formerly Invitae), Labcorp
Classification: Likely pathogenic. Last evaluated: 2022-12-03. Review status: criteria provided, single submitter. Criteria: Invitae Variant Classification Sherloc (09022015). Collection method: clinical testing. Allele origin: germline.
Comment: In summary, the currently available evidence indicates that the variant is pathogenic, but additional data are needed to prove that conclusively. Therefore, this variant has been classified as Likely Pathogenic. Algorithms developed to predict the effect of sequence changes on RNA splicing suggest that this variant may disrupt the consensus splice site. This variant has not been observed in the literature in individuals with autosomal recessive CLCN7-related conditions. This variant has been reported in individual(s) with autosomal dominant osteopetrosis (Invitae); however, the role of the variant in this condition is currently unclear. This variant is not present in population databases (gnomAD no frequency). This sequence change affects a donor splice site in intron 22 of the CLCN7 gene. It is expected to disrupt RNA splicing. Variants that disrupt the donor or acceptor splice site typically lead to a loss of protein function (PMID: 16199547), and loss-of-function variants in CLCN7 are known to be pathogenic (PMID: 14584882, 19953639).

Literature cited by the submitters: PubMed 16199547; PubMed 14584882; PubMed 19953639.